The following is an entry in ClinVar:

NM_001001548.3(CD36):c.1254G>T (p.Glu418Asp)

Gene: CD36 (CD36 molecule (CD36 blood group); plus strand). Cytogenetic location: 7q21.11.
Variant type: single nucleotide variant.
Coding change: c.1254G>T on transcript NM_001001548.3 (MANE Select); coding-DNA position 1254, G replaced by T.
Protein change: p.Glu418Asp; replaces glutamic acid 418 with aspartic acid.
Molecular consequence: missense variant. On other transcripts: non-coding transcript variant (1).
Genome position (GRCh38, 1-based): chr7:80,673,409, G>T. VCF-style: chr7-80673409-G-T. GRCh37 (hg19) VCF-style: chr7-80302725-G-T.
Other names: NC_000007.13:g.80302725G>T; c.1254G>T, p.Glu418Asp (NM_000072.3, NM_001001547.3, NM_001127443.2 and 5 more transcripts); c.1137G>T, p.Glu379Asp (NM_001289908.1); c.1074G>T, p.Glu358Asp (NM_001289909.1); c.1026G>T, p.Glu342Asp (NM_001289911.2); c.1152G>T, p.Glu384Asp (NM_001371079.1); c.789G>T, p.Glu263Asp (NM_001371080.1, NM_001371081.1); short protein forms E263D, E342D, E358D, E379D, E384D, E418D.
Identifiers: ClinVar variation 3366532 (VCV003366532.2).

ClinVar aggregate classification (germline): Uncertain significance (1 of 4 stars; one submission).

gnomAD v4.1: 3 of 1,559,962 alleles (0.00019%); highest among the groups gnomAD compares: African/African-American, 0.0027%; no homozygotes.

Submissions (2):

Women's Health and Genetics/Laboratory Corporation of America, LabCorp
Classification: Uncertain significance. Last evaluated: 2024-08-28. Review status: criteria provided, single submitter. Criteria: LabCorp Variant Classification Summary - May 2015. Collection method: clinical testing. Allele origin: germline.
Comment: Variant summary: CD36 c.1254G>T (p.Glu418Asp) results in a conservative amino acid change in the encoded protein sequence in the last nucleotide of exon 13 adjacent to the exon 13/intron 13 splice donor site. Four of five in-silico tools predict a damaging effect of the variant on protein function. Several computational tools predict a significant impact on normal splicing: Three predict the variant abolishes a 5' splicing donor site. However, these predictions have yet to be confirmed by functional studies. The variant allele was found at a frequency of 4e-06 in 250344 control chromosomes. The available data on variant occurrences in the general population are insufficient to allow any conclusion about variant significance. To our knowledge, no occurrence of c.1254G>T in individuals affected with CD36-Related Disorders and no experimental evidence demonstrating its impact on protein function have been reported. No submitters have cited clinical-significance assessments for this variant to ClinVar. Based on the evidence outlined above, the variant was classified as uncertain significance.

Dr. Peter K. Rogan Lab, Western University
No classification provided (evidence only). Condition: Thymoma. Review status: no classification provided. Collection method: in vitro. Allele origin: not applicable. Functional consequence: skipped exon. Not counted in ClinVar's aggregate classification.